The following is an entry in ClinVar:

ClinVar aggregate classification (germline): Uncertain significance (1 of 4 stars; one submission).

Conditions:
Nemaline myopathy 2 (NEM2). Also called: Nemaline myopathy 2, autosomal recessive. Identifiers: MedGen C1850569, MONDO:0009725, OMIM 256030.

Submission:

Labcorp Genetics (formerly Invitae), Labcorp
Classification: Uncertain significance for Nemaline myopathy 2. Last evaluated: 2021-11-16. Review status: criteria provided, single submitter. Criteria: Invitae Variant Classification Sherloc (09022015). Collection method: clinical testing. Allele origin: germline.
Comment: This sequence change replaces serine, which is neutral and polar, with threonine, which is neutral and polar, at codon 2342 of the NEB protein (p.Ser2342Thr). This variant is not present in population databases (gnomAD no frequency). This variant has not been reported in the literature in individuals affected with NEB-related conditions. Algorithms developed to predict the effect of missense changes on protein structure and function are either unavailable or do not agree on the potential impact of this missense change (SIFT: "Deleterious"; PolyPhen-2: "Not Available"; Align-GVGD: "Class C0"). In summary, the available evidence is currently insufficient to determine the role of this variant in disease. Therefore, it has been classified as a Variant of Uncertain Significance.

NM_001164508.2(NEB):c.7025G>C (p.Ser2342Thr)

Gene: NEB (nebulin; minus strand). Cytogenetic location: 2q23.3.
Variant type: single nucleotide variant.
Coding change: c.7025G>C on transcript NM_001164508.2 (MANE Select); coding-DNA position 7025, G replaced by C.
Protein change: p.Ser2342Thr; replaces serine 2342 with threonine.
Molecular consequence: missense variant.
Genome position (GRCh38, 1-based): chr2:151,650,776, C>G on the plus strand (G>C on the coding strand, the complement: NEB is on the minus strand). VCF-style: chr2-151650776-C-G. GRCh37 (hg19) VCF-style: chr2-152507290-C-G.
Other names: c.7025G>C, p.Ser2342Thr (NM_001164507.2, NM_001271208.2, NM_004543.5); short protein forms S2342T.
Identifiers: ClinVar variation 1393652 (VCV001393652.3), dbSNP rs372132667, ClinGen allele CA348790518.